The following is an entry in ClinVar:

NM_001042492.3(NF1):c.4005C>G (p.Asn1335Lys)

Gene: NF1 (neurofibromin 1; plus strand). Cytogenetic location: 17q11.2.
Variant type: single nucleotide variant.
Coding change: c.4005C>G on transcript NM_001042492.3 (MANE Select); coding-DNA position 4005, C replaced by G.
Protein change: p.Asn1335Lys; replaces asparagine 1335 with lysine.
Molecular consequence: missense variant.
Genome position (GRCh38, 1-based): chr17:31,249,014, C>G. VCF-style: chr17-31249014-C-G. GRCh37 (hg19) VCF-style: chr17-29576032-C-G.
Other names: c.4005C>G, p.Asn1335Lys (NM_000267.4); short protein forms N1335K.
Identifiers: ClinVar variation 1035806 (VCV001035806.6), dbSNP rs2067448469, ClinGen allele CA398994874.

ClinVar aggregate classification (germline): Uncertain significance. Review status: criteria provided, multiple submitters, no conflicts (2 of 4 stars). 2 submissions from 2 submitters: Uncertain significance (2). Last evaluated 2024-05-06.

Conditions:
Neurofibromatosis, type 1 (NF1). Also called: NEUROFIBROMATOSIS, TYPE I, SOMATIC; VON RECKLINGHAUSEN DISEASE; Peripheral type neurofibromatosis; Neurofibromatosis, type I. Identifiers: Orphanet 636, MedGen C0027831, MONDO:0018975, OMIM 162200. Disease mechanism: loss of function.
Juvenile myelomonocytic leukemia (JMML). Also called: LEUKEMIA, JUVENILE MYELOMONOCYTIC, SOMATIC. Identifiers: Orphanet 86834, MedGen C0349639, MONDO:0011908, OMIM 607785, HP:0012209.

Submissions (2):

Labcorp Genetics (formerly Invitae), Labcorp
Classification: Uncertain significance for Neurofibromatosis, type 1. Last evaluated: 2024-05-06. Review status: criteria provided, single submitter. Criteria: Invitae Variant Classification Sherloc (09022015). Collection method: clinical testing. Allele origin: germline.
Comment: This sequence change replaces asparagine, which is neutral and polar, with lysine, which is basic and polar, at codon 1335 of the NF1 protein (p.Asn1335Lys). This variant is not present in population databases (gnomAD no frequency). This variant has not been reported in the literature in individuals affected with NF1-related conditions. ClinVar contains an entry for this variant (Variation ID: 1035806). Advanced modeling of protein sequence and biophysical properties (such as structural, functional, and spatial information, amino acid conservation, physicochemical variation, residue mobility, and thermodynamic stability) performed at Invitae indicates that this missense variant is expected to disrupt NF1 protein function with a positive predictive value of 95%. In summary, the available evidence is currently insufficient to determine the role of this variant in disease. Therefore, it has been classified as a Variant of Uncertain Significance.

Baylor Genetics
Classification: Uncertain significance for Juvenile myelomonocytic leukemia. Last evaluated: 2024-01-16. Review status: criteria provided, single submitter. Criteria: ACMG Guidelines, 2015. Collection method: clinical testing. Allele origin: unknown.